The following is an entry in ClinVar:

ClinVar aggregate classification (germline): Uncertain significance (1 of 4 stars; one submission).

Allele frequency attached by ClinVar (database versions not stated): gnomAD exomes below 0.00001; gnomAD 0.00001; 1000 Genomes Project 30x 0.00016; 1000 Genomes Project 0.00020.
gnomAD v4.1: 2 of 1,613,998 alleles (0.00012%); highest among the groups gnomAD compares: Admixed American, 0.0033%; no homozygotes.

Submission:

Labcorp Genetics (formerly Invitae), Labcorp
Classification: Uncertain significance. Last evaluated: 2022-10-05. Review status: criteria provided, single submitter. Criteria: Invitae Variant Classification Sherloc (09022015). Collection method: clinical testing. Allele origin: germline.
Comment: This sequence change replaces threonine, which is neutral and polar, with isoleucine, which is neutral and non-polar, at codon 3104 of the USH2A protein (p.Thr3104Ile). This variant is not present in population databases (gnomAD no frequency). This variant has not been reported in the literature in individuals affected with USH2A-related conditions. Advanced modeling of protein sequence and biophysical properties (such as structural, functional, and spatial information, amino acid conservation, physicochemical variation, residue mobility, and thermodynamic stability) performed at Invitae indicates that this missense variant is not expected to disrupt USH2A protein function. In summary, the available evidence is currently insufficient to determine the role of this variant in disease. Therefore, it has been classified as a Variant of Uncertain Significance.

NM_206933.4(USH2A):c.9311C>T (p.Thr3104Ile)

Gene: USH2A (usherin; minus strand). Cytogenetic location: 1q41.
Variant type: single nucleotide variant.
Coding change: c.9311C>T on transcript NM_206933.4 (MANE Select); coding-DNA position 9311, C replaced by T.
Protein change: p.Thr3104Ile; replaces threonine 3104 with isoleucine.
Molecular consequence: missense variant.
Genome position (GRCh38, 1-based): chr1:215,838,051, G>A on the plus strand (C>T on the coding strand, the complement: USH2A is on the minus strand). VCF-style: chr1-215838051-G-A. GRCh37 (hg19) VCF-style: chr1-216011393-G-A.
Other names: short protein forms T3104I.
Identifiers: ClinVar variation 2414638 (VCV002414638.1), dbSNP rs541565281, ClinGen allele CA37439459.